The following is an entry in ClinVar:

NM_006531.5(IFT88):c.1940C>G (p.Ser647Cys)

Gene: IFT88 (intraflagellar transport 88; plus strand). Cytogenetic location: 13q12.11.
Variant type: single nucleotide variant.
Coding change: c.1940C>G on transcript NM_006531.5 (MANE Select); coding-DNA position 1940, C replaced by G.
Protein change: p.Ser647Cys; replaces serine 647 with cysteine.
Molecular consequence: missense variant. On other transcripts: non-coding transcript variant (4).
Genome position (GRCh38, 1-based): chr13:20,644,949, C>G. VCF-style: chr13-20644949-C-G. GRCh37 (hg19) VCF-style: chr13-21219088-C-G.
Other names: c.1883C>G, p.Ser628Cys (NM_001318491.2, NM_001353575.2); c.1967C>G, p.Ser656Cys (NM_001318493.2, NM_001353565.2, NM_001353566.2 and 2 more transcripts); c.1940C>G, p.Ser647Cys (NM_001353568.2, NM_001353572.2); c.1865C>G, p.Ser622Cys (NM_001353569.2, NM_001353570.2, NM_001353576.2 and 1 more transcripts); c.1838C>G, p.Ser613Cys (NM_001353571.2, NM_001353578.2); c.1796C>G, p.Ser599Cys (NM_001353573.2); c.1781C>G, p.Ser594Cys (NM_001353574.2); c.1307C>G, p.Ser436Cys (NM_001353579.2); short protein forms S436C, S599C, S647C, S656C, S622C, S594C, S613C, S628C.
Identifiers: ClinVar variation 2000257 (VCV002000257.4), dbSNP rs765444887, ClinGen allele CA387475508.

ClinVar aggregate classification (germline): Uncertain significance (1 of 4 stars; one submission).

Submission:

Labcorp Genetics (formerly Invitae), Labcorp
Classification: Uncertain significance. Last evaluated: 2022-09-27. Review status: criteria provided, single submitter. Criteria: Invitae Variant Classification Sherloc (09022015). Collection method: clinical testing. Allele origin: germline.
Comment: In summary, the available evidence is currently insufficient to determine the role of this variant in disease. Therefore, it has been classified as a Variant of Uncertain Significance. Algorithms developed to predict the effect of missense changes on protein structure and function are either unavailable or do not agree on the potential impact of this missense change (SIFT: "Not Available"; PolyPhen-2: "Possibly Damaging"; Align-GVGD: "Not Available"). This variant has not been reported in the literature in individuals affected with IFT88-related conditions. This variant is not present in population databases (gnomAD no frequency). This sequence change replaces serine, which is neutral and polar, with cysteine, which is neutral and slightly polar, at codon 656 of the IFT88 protein (p.Ser656Cys).